The following is an entry in ClinVar:

ClinVar aggregate classification (germline): Uncertain significance (1 of 4 stars; one submission).

Submission:

Labcorp Genetics (formerly Invitae), Labcorp
Classification: Uncertain significance. Last evaluated: 2022-07-18. Review status: criteria provided, single submitter. Criteria: Invitae Variant Classification Sherloc (09022015). Collection method: clinical testing. Allele origin: germline.
Comment: In summary, the available evidence is currently insufficient to determine the role of this variant in disease. Therefore, it has been classified as a Variant of Uncertain Significance. Algorithms developed to predict the effect of missense changes on protein structure and function are either unavailable or do not agree on the potential impact of this missense change (SIFT: "Deleterious"; PolyPhen-2: "Probably Damaging"; Align-GVGD: "Class C0"). This variant has not been reported in the literature in individuals affected with GATA3-related conditions. This variant is not present in population databases (gnomAD no frequency). This sequence change replaces methionine, which is neutral and non-polar, with isoleucine, which is neutral and non-polar, at codon 401 of the GATA3 protein (p.Met401Ile).

NM_001002295.2(GATA3):c.1203G>A (p.Met401Ile)

Gene: GATA3 (GATA binding protein 3; plus strand). Cytogenetic location: 10p14.
Variant type: single nucleotide variant.
Coding change: c.1203G>A on transcript NM_001002295.2 (MANE Select); coding-DNA position 1203, G replaced by A.
Protein change: p.Met401Ile; replaces methionine 401 with isoleucine.
Molecular consequence: missense variant.
Genome position (GRCh38, 1-based): chr10:8,073,891, G>A. VCF-style: chr10-8073891-G-A. GRCh37 (hg19) VCF-style: chr10-8115854-G-A.
Other names: c.1200G>A, p.Met400Ile (NM_002051.3); short protein forms M401I, M400I.
Identifiers: ClinVar variation 1951079 (VCV001951079.5), dbSNP rs2131521702, ClinGen allele CA375975759.